The following is an entry in ClinVar:

ClinVar aggregate classification (germline): Likely pathogenic (1 of 4 stars; one submission).

Submission:

GeneDx
Classification: Likely pathogenic. Last evaluated: 2015-09-13. Review status: criteria provided, single submitter. Criteria: GeneDx Variant Classification (06012015). Collection method: clinical testing. Allele origin: germline. Affected: yes.
Comment: The E1071A variant in the KAT6A gene has not been published as a pathogenic variant, nor has it been reported as a benign polymorphism to our knowledge. This variant was not observed in approximately 6500 individuals of European and African American ancestry in the NHLBI Exome Sequencing Project, indicating it is not a common benign variant in these populations. The E1071A variant is a non-conservative amino acid substitution, which is likely to impact secondary protein structure as these residues differ in polarity, charge, size and/or other properties. This substitution occurs at a position where amino acids with similar properties to Glutamic Acid are tolerated across species. In silico analysis is inconsistent in its predictions as to whether or not the variant is damaging to the protein structure/function. The E1071A variant is a strong candidate for a disease-causing varian. However, the possibility it may be a rare benign variant cannot be excluded.

NM_006766.5(KAT6A):c.3212A>C (p.Glu1071Ala)

Gene: KAT6A (lysine acetyltransferase 6A; minus strand). Cytogenetic location: 8p11.21.
Variant type: single nucleotide variant.
Coding change: c.3212A>C on transcript NM_006766.5 (MANE Select); coding-DNA position 3212, A replaced by C.
Protein change: p.Glu1071Ala; replaces glutamic acid 1071 with alanine.
Molecular consequence: missense variant.
Genome position (GRCh38, 1-based): chr8:41,937,396, T>G on the plus strand (A>C on the coding strand, the complement: KAT6A is on the minus strand). VCF-style: chr8-41937396-T-G. GRCh37 (hg19) VCF-style: chr8-41794914-T-G.
Other names: short protein forms E1071A.
Identifiers: ClinVar variation 429660 (VCV000429660.2), dbSNP rs1131691516, ClinGen allele CA371070406.
Genomic context (GRCh38, chr8:41,937,396, plus strand): 5'-TGCGAAGACAAACGACGGAAGTATTCTCTAGGGAAAAGTTCATTTTCATCCTCTTCCTCC[T>G]CTTCTTCATCGATCTCAAACGTGGGTTCTAATCTTGGCATTGGCCTCTCGGAGTCAGAAT-3'
Protein context (NP_006757.2, residues 1061-1081): LEPTFEIDEE[Glu1071Ala]EEEDENELFP